The following continues an entry in ClinVar:

NM_007294.4(BRCA1):c.5095C>T (p.Arg1699Trp)

Gene: BRCA1. ClinVar aggregate classification (germline): Pathogenic. Pathogenic (1).

Submissions 8 to 22 of 53:

German Consortium for Hereditary Breast and Ovarian Cancer, University Hospital Cologne
Classification: Pathogenic for Hereditary breast ovarian cancer syndrome. Last evaluated: 2025-07-08. Review status: criteria provided, single submitter. Criteria: ClinGen BRCA1 V1.1.0. Collection method: curation. Allele origin: germline. Not counted in ClinVar's aggregate classification.
Comment: This classification follows the ClinGen ENIGMA BRCA1 v1.1.0 classification scheme; We chose these criteria: PS3 (strong pathogenic): Reported by three calibrated studies to exhibit protein function similar to pathogenic control variants (PMIDs:30257991, 32546644, 30765603) , PM3 (supporting pathogenic): compound heterozygous in Fanconi patiens (PMID: 25472942, PMID: 29712865, PMID: 33098347), PP3 (supporting pathogenic): missense variant inside clinically important functional domain (BayesDEL: 0.429093) , PP4 (very strong pathogenic): Combined LR Score = 41690323.68914 (as per ENIGMA BRCA1/BRCA2 specs 1.1.0 Track Hub)

Mayo Clinic Laboratories, Mayo Clinic
Classification: Pathogenic. Last evaluated: 2025-04-01. Review status: criteria provided, single submitter. Criteria: ACMG Guidelines, 2015. Collection method: clinical testing. Allele origin: germline. Observed: 1 variant allele. Not counted in ClinVar's aggregate classification.
Comment: PP4_very_strong, PM3, PS3

Institute for Genomic Medicine (IGM) Clinical Laboratory, Nationwide Children's Hospital
Classification: Pathogenic for Hereditary cancer-predisposing syndrome. Last evaluated: 2025-03-17. Review status: criteria provided, single submitter. Criteria: ACMG Guidelines, 2015. Collection method: clinical testing. Allele origin: germline. Not counted in ClinVar's aggregate classification.
Comment: Well-established functional studies have demonstrated this variant to have a damaging effect on protein function or splicing (ACMG/AMP: PS3; PMIDs:17308087, 21473589, 20516115, 30765603, 30257991). This variant has been reported at an elevated frequency in affected individuals/in multiple affected individuals in the literature (ACMG/AMP: PS4; PMIDs:11157798, 17574969, 21324516, 21356067, 22889855). This variant is located in a mutational hot spot and/or critical and well-established functional domain (ACMG/AMP: PM1; PMID:21473589). This variant has been observed in trans with a pathogenic variant (ACMG/AMP: PM3; PMID:25472942). A different substitution at this amino acid position has been reported as pathogenic (ACMG/AMP: PM5). This variant is predicted to alter protein function or structure, or disrupt splicing by multiple in silico tools (ACMG/AMP: PP3; PMIDs:21990134, 17924331).

Institute of Human Genetics, University of Leipzig Medical Center
Classification: Pathogenic for Familial cancer of breast. Last evaluated: 2025-03-04. Review status: criteria provided, single submitter. Criteria: ACMG Guidelines, 2015. Collection method: clinical testing. Allele origin: unknown. Inheritance: Autosomal dominant inheritance. Affected: yes. Not counted in ClinVar's aggregate classification.
Comment: Criteria applied: PP4_VSTR,PS3,PM2_SUP

Quest Diagnostics Nichols Institute San Juan Capistrano
Classification: Pathogenic. Last evaluated: 2024-12-24. Review status: criteria provided, single submitter. Criteria: Quest Diagnostics criteria. Collection method: clinical testing. Allele origin: unknown. Not counted in ClinVar's aggregate classification.
Comment: The BRCA1 c.5095C>T (p.Arg1699Trp) variant has been reported in the published literature in multiple individuals with breast (PMIDs: 37731153 (2023), 37060015 (2023), 31454914 (2019), 17574969 (2007)) or ovarian cancer (PMIDs: 36367610 (2023), 31472684 (2019), 30103829 (2018), 29297111 (2018)), as well as prostate cancer (PMID: 32338768 (2020)), and in trans with another BRCA1 variant in multiple patients with Fanconi anemia-like conditions (PMID: 29712865 (2018), 25472942 (2015)). Experimental evidence from multiple studies suggests that this variant is disruptive to BRCA1 function (PMIDs: 37085799 (2023), 27272900 (2016), 26689913 (2015), 24845084 (2014), 11157798 (2001)). The frequency of this variant in the general population (Genome Aggregation Database) is consistent with pathogenicity. Analysis of this variant using bioinformatics tools for the prediction of the effect of amino acid changes on protein structure and function yielded predictions that this variant is damaging. Based on the available information, this variant is classified as pathogenic.

All of Us Research Program, National Institutes of Health
Classification: Pathogenic for BRCA1-related cancer predisposition. Last evaluated: 2024-06-07. Review status: criteria provided, single submitter. Criteria: ACMG Guidelines, 2015. Collection method: clinical testing. Allele origin: germline. Inheritance: Autosomal dominant inheritance. Observed: 3 variant alleles, 3 heterozygotes. Not counted in ClinVar's aggregate classification.
Comment: This missense variant replaces arginine with tryptophan at codon 1699 of the BRCA1 protein. Computational prediction tool suggests that this variant may have deleterious impact on protein structure and function. Functional studies have shown that this variant reduces transcriptional activity (PMID: 11157798, 12496476, 17308087, 22889855) and phosphopeptide binding of the BRCA1 protein (PMID: 21473589) and fails to rescue the lethality phenotype in BRCA1-deficient mouse embryonic stem cells (PMID: 23867111). This variant has been reported in many individuals affected with breast and/or ovarian cancer (PMID: 11157798, 17279547, 17574969, 21324516, 22889855, 23289006, 28265380, 30287823) and in the compound heterozygous state in an individual affected with Fanconi anemia (PMID: 25472942). This variant has been detected in a breast cancer case-control meta-analysis in 2/60466 cases and 0/53461 unaffected individuals (PMID: 33471991; Leiden Open Variation Database DB-ID BRCA1_000387). In addition, multifactorial likelihood models using health history, in silico, and tumor phenotype data have suggested this variant have a high probability of being pathogenic (PMID: 17279547, 17924331, 21990134). This variant has been identified in 6/251242 chromosomes in the general population by the Genome Aggregation Database (gnomAD). Based on the available evidence, this variant is classified as Pathogenic.

This study involves interpretation of variants in research participants for the purpose of population health screening. Participant phenotype was not available at the time of variant classification. Additional details can be found in publication PMID: 35346344, PMCID: PMC8962531

Molecular Pathology, Peter Maccallum Cancer Centre
Classification: Pathogenic for Breast-ovarian cancer, familial, susceptibility to, 1. Last evaluated: 2024-05-01. Review status: criteria provided, single submitter. Criteria: ACMG Guidelines, 2015. Collection method: clinical testing. Allele origin: germline. Inheritance: Autosomal dominant inheritance. Not counted in ClinVar's aggregate classification.

Clinical Genetics Laboratory, Skane University Hospital Lund
Classification: Pathogenic. Last evaluated: 2024-04-03. Review status: criteria provided, single submitter. Criteria: ACMG Guidelines, 2015. Collection method: clinical testing. Allele origin: germline. Affected: yes. Not counted in ClinVar's aggregate classification.

Color Diagnostics, LLC DBA Color Health
Classification: Pathogenic for Hereditary cancer-predisposing syndrome. Last evaluated: 2023-11-15. Review status: criteria provided, single submitter. Criteria: ACMG Guidelines, 2015. Collection method: clinical testing. Allele origin: germline. Not counted in ClinVar's aggregate classification.
Comment: This missense variant replaces arginine with tryptophan at codon 1699 of the BRCA1 protein. Computational prediction tool suggests that this variant may have deleterious impact on protein structure and function. Functional studies have shown that this variant reduces transcriptional activity (PMID: 11157798, 12496476, 17308087, 22889855) and phosphopeptide binding of the BRCA1 protein (PMID: 21473589) and fails to rescue the lethality phenotype in BRCA1-deficient mouse embryonic stem cells (PMID: 23867111). This variant has been reported in many individuals affected with breast and/or ovarian cancer (PMID: 11157798, 17279547, 17574969, 21324516, 22889855, 23289006, 28265380, 30287823) and in the compound heterozygous state in an individual affected with Fanconi anemia (PMID: 25472942). This variant has been detected in a breast cancer case-control meta-analysis in 2/60466 cases and 0/53461 unaffected individuals (PMID: 33471991; Leiden Open Variation Database DB-ID BRCA1_000387). In addition, multifactorial likelihood models using health history, in silico, and tumor phenotype data have suggested this variant have a high probability of being pathogenic (PMID: 17279547, 17924331, 21990134). This variant has been identified in 6/251242 chromosomes in the general population by the Genome Aggregation Database (gnomAD). Based on the available evidence, this variant is classified as Pathogenic.

Unidad Asesoramiento Genetico Oncologico Falp, Instituto Oncologico Fundacion Arturo Lopez Perez
Classification: Pathogenic for Breast-ovarian cancer, familial, susceptibility to, 1. Last evaluated: 2023-08-01. Review status: criteria provided, single submitter. Criteria: ACMG Guidelines, 2015. Collection method: clinical testing. Allele origin: unknown. Affected: yes. Not counted in ClinVar's aggregate classification.

Blueprint Genetics
Classification: Pathogenic for BRCA1-related disorders. Last evaluated: 2023-04-18. Review status: criteria provided, single submitter. Criteria: ACMG Guidelines, 2015. Collection method: clinical testing. Allele origin: germline. Affected: yes. Observed: 2 variant alleles. Not counted in ClinVar's aggregate classification.

Baylor Genetics
Classification: Pathogenic for Breast-ovarian cancer, familial, susceptibility to, 1. Last evaluated: 2023-02-19. Review status: criteria provided, single submitter. Criteria: ACMG Guidelines, 2015. Collection method: clinical testing. Allele origin: unknown. Not counted in ClinVar's aggregate classification.

Revvity Omics, Revvity
Classification: Pathogenic. Last evaluated: 2022-07-13. Review status: criteria provided, single submitter. Criteria: ACMG Guidelines, 2015. Collection method: clinical testing. Allele origin: germline. Not counted in ClinVar's aggregate classification.

National Health Laboratory Service, Universitas Academic Hospital and University of the Free State
Classification: Pathogenic for Hereditary breast ovarian cancer syndrome. Last evaluated: 2021-11-16. Review status: criteria provided, single submitter. Criteria: ACMG Guidelines, 2015. Collection method: clinical testing. Allele origin: germline. Affected: yes. Observed: 2 variant alleles. Not counted in ClinVar's aggregate classification.

Institute for Clinical Genetics, University Hospital TU Dresden, University Hospital TU Dresden
Classification: Pathogenic. Last evaluated: 2021-11-03. Review status: criteria provided, single submitter. Criteria: ACMG Guidelines, 2015. Collection method: clinical testing. Allele origin: germline. Not counted in ClinVar's aggregate classification.